The following is an entry in ClinVar:

ClinVar aggregate classification (germline): Uncertain significance (1 of 4 stars; one submission).

gnomAD v4.1: 1 of 1,603,424 alleles (0.000062%); highest among the groups gnomAD compares: East Asian, 0.0022%; no homozygotes.

Submission:

Labcorp Genetics (formerly Invitae), Labcorp
Classification: Uncertain significance. Last evaluated: 2025-08-20. Review status: criteria provided, single submitter. Criteria: Invitae Variant Classification Sherloc (09022015). Collection method: clinical testing. Allele origin: germline.
Comment: This sequence change replaces valine, which is neutral and non-polar, with isoleucine, which is neutral and non-polar, at codon 1185 of the DENND5A protein (p.Val1185Ile). This variant is present in population databases (rs777783501, gnomAD 0.006%). This variant has not been reported in the literature in individuals affected with DENND5A-related conditions. Invitae Evidence Modeling of protein sequence and biophysical properties (such as structural, functional, and spatial information, amino acid conservation, physicochemical variation, residue mobility, and thermodynamic stability) indicates that this missense variant is not expected to disrupt DENND5A protein function with a negative predictive value of 80%. In summary, the available evidence is currently insufficient to determine the role of this variant in disease. Therefore, it has been classified as a Variant of Uncertain Significance.

NM_015213.4(DENND5A):c.3553G>A (p.Val1185Ile)

Gene: DENND5A (DENN domain containing 5A; minus strand). Cytogenetic location: 11p15.4.
Variant type: single nucleotide variant.
Coding change: c.3553G>A on transcript NM_015213.4 (MANE Select); coding-DNA position 3553, G replaced by A.
Protein change: p.Val1185Ile; replaces valine 1185 with isoleucine.
Molecular consequence: missense variant. On other transcripts: non-coding transcript variant (1).
Genome position (GRCh38, 1-based): chr11:9,142,067, C>T on the plus strand (G>A on the coding strand, the complement: DENND5A is on the minus strand). VCF-style: chr11-9142067-C-T. GRCh37 (hg19) VCF-style: chr11-9163614-C-T.
Other names: c.3553G>A, p.Val1185Ile (NM_001243254.2); c.3481G>A, p.Val1161Ile (NM_001348749.2); c.3265G>A, p.Val1089Ile (NM_001348750.2); short protein forms V1161I, V1089I, V1185I.
Identifiers: ClinVar variation 4746632 (VCV004746632.1).